The following is an entry in ClinVar:

NM_000642.3(AGL):c.2687C>G (p.Ala896Gly)

Gene: AGL (amylo-alpha-1,6-glucosidase and 4-alpha-glucanotransferase; plus strand). Cytogenetic location: 1p21.2.
Variant type: single nucleotide variant.
Coding change: c.2687C>G on transcript NM_000642.3 (MANE Select); coding-DNA position 2687, C replaced by G.
Protein change: p.Ala896Gly; replaces alanine 896 with glycine.
Molecular consequence: missense variant.
Genome position (GRCh38, 1-based): chr1:99,887,983, C>G. VCF-style: chr1-99887983-C-G. GRCh37 (hg19) VCF-style: chr1-100353539-C-G.
Other names: c.2687C>G, p.Ala896Gly (NM_000644.3, NM_001425325.1, NM_001425326.1 and 2 more transcripts); c.2639C>G, p.Ala880Gly (NM_000646.3); c.2348C>G, p.Ala783Gly (NM_001425329.1); c.2309C>G, p.Ala770Gly (NM_001425332.1); c.2486C>G, p.Ala829Gly (NM_001425327.1); c.2483C>G, p.Ala828Gly (NM_001425328.1); short protein forms A896G, A880G, A770G, A783G, A828G, A829G.
Identifiers: ClinVar variation 948569 (VCV000948569.9), dbSNP rs777099171, ClinGen allele CA341322734.

ClinVar aggregate classification (germline): Uncertain significance (1 of 4 stars; one submission).

Conditions:
Glycogen storage disease type III (GSD3). Also called: Cori disease; FORBES DISEASE. Identifiers: Orphanet 366, MedGen C0017922, MONDO:0009291, OMIM 232400.

Allele frequency attached by ClinVar (database versions not stated): gnomAD 0.00001.
gnomAD v4.1: 1 of 1,613,130 alleles (0.000062%); highest among the groups gnomAD compares: African/African-American, 0.0013%; no homozygotes.

Submission:

Labcorp Genetics (formerly Invitae), Labcorp
Classification: Uncertain significance for Glycogen storage disease type III. Last evaluated: 2023-12-11. Review status: criteria provided, single submitter. Criteria: Invitae Variant Classification Sherloc (09022015). Collection method: clinical testing. Allele origin: germline.
Comment: This sequence change replaces alanine, which is neutral and non-polar, with glycine, which is neutral and non-polar, at codon 896 of the AGL protein (p.Ala896Gly). This variant is not present in population databases (gnomAD no frequency). This variant has not been reported in the literature in individuals affected with AGL-related conditions. ClinVar contains an entry for this variant (Variation ID: 948569). Advanced modeling of protein sequence and biophysical properties (such as structural, functional, and spatial information, amino acid conservation, physicochemical variation, residue mobility, and thermodynamic stability) performed at Invitae indicates that this missense variant is expected to disrupt AGL protein function with a positive predictive value of 80%. In summary, the available evidence is currently insufficient to determine the role of this variant in disease. Therefore, it has been classified as a Variant of Uncertain Significance.